The following is an entry in ClinVar:

NM_000264.5(PTCH1):c.3306+2T>C

Gene: PTCH1 (patched 1; minus strand). Cytogenetic location: 9q22.32.
Variant type: single nucleotide variant.
Coding change: c.3306+2T>C on transcript NM_000264.5 (MANE Select); the canonical splice donor site of the intron after coding-DNA position 3306, T replaced by C.
Molecular consequence: splice donor variant.
Genome position (GRCh38, 1-based): chr9:95,456,274, A>G on the plus strand (T>C on the coding strand, the complement: PTCH1 is on the minus strand). VCF-style: chr9-95456274-A-G. GRCh37 (hg19) VCF-style: chr9-98218556-A-G.
Other names: c.3303+2T>C (NM_001083603.3); c.3108+2T>C (NM_001083602.3); c.3150+2T>C (NM_001354918.2); c.2853+2T>C (NM_001083605.3, NM_001083604.3, NM_001083606.3 and 1 more transcripts).
Identifiers: ClinVar variation 2122137 (VCV002122137.4), dbSNP rs2136647071, ClinGen allele CA374111944.

ClinVar aggregate classification (germline): Pathogenic (1 of 4 stars; one submission).

Conditions:
Gorlin syndrome. Also called: Nevoid Basal Cell Carcinoma Syndrome; Basal cell nevus syndrome. Identifiers: Orphanet 377, MedGen C0004779, MONDO:0007187.

Submission:

Labcorp Genetics (formerly Invitae), Labcorp
Classification: Pathogenic for Gorlin syndrome. Last evaluated: 2024-07-25. Review status: criteria provided, single submitter. Criteria: Invitae Variant Classification Sherloc (09022015). Collection method: clinical testing. Allele origin: germline.
Comment: This sequence change affects a donor splice site in intron 19 of the PTCH1 gene. It is expected to disrupt RNA splicing. Variants that disrupt the donor or acceptor splice site typically lead to a loss of protein function (PMID: 16199547), and loss-of-function variants in PTCH1 are known to be pathogenic (PMID: 16301862, 16419085). This variant is not present in population databases (gnomAD no frequency). Disruption of this splice site has been observed in individual(s) with clinical features of basal cell nevus syndrome (Invitae). In at least one individual the variant was observed to be de novo. ClinVar contains an entry for this variant (Variation ID: 2122137). Algorithms developed to predict the effect of sequence changes on RNA splicing suggest that this variant may disrupt the consensus splice site. For these reasons, this variant has been classified as Pathogenic.

Literature cited by the submitters: PubMed 16199547; PubMed 16301862; PubMed 16419085.